The following is an entry in ClinVar:

ClinVar aggregate classification (germline): Uncertain significance (1 of 4 stars; one submission).

Conditions:
Hereditary cancer-predisposing syndrome. Also called: Neoplastic Syndromes, Hereditary; Tumor predisposition; Hereditary neoplastic syndrome; Hereditary Cancer Syndrome. Identifiers: Orphanet 140162, MedGen C0027672, MeSH D009386, MONDO:0015356.

Submission:

Ambry Genetics
Classification: Uncertain significance for Hereditary cancer-predisposing syndrome. Last evaluated: 2019-01-31. Review status: criteria provided, single submitter. Criteria: Ambry Variant Classification Scheme 2023. Collection method: clinical testing. Allele origin: germline.
Comment: The p.Y113N variant (also known as c.337T>A), located in coding exon 2 of the CHEK2 gene, results from a T to A substitution at nucleotide position 337. The tyrosine at codon 113 is replaced by asparagine, an amino acid with dissimilar properties. This amino acid position is highly conserved in available vertebrate species. In addition, this alteration is predicted to be deleterious by in silico analysis. Since supporting evidence is limited at this time, the clinical significance of this alteration remains unclear.

NM_007194.4(CHEK2):c.337T>A (p.Tyr113Asn)

Gene: CHEK2 (checkpoint kinase 2; minus strand). Cytogenetic location: 22q12.1.
Variant type: single nucleotide variant.
Coding change: c.337T>A on transcript NM_007194.4 (MANE Select); coding-DNA position 337, T replaced by A.
Protein change: p.Tyr113Asn; replaces tyrosine 113 with asparagine.
Molecular consequence: missense variant.
Genome position (GRCh38, 1-based): chr22:28,725,350, A>T on the plus strand (T>A on the coding strand, the complement: CHEK2 is on the minus strand). VCF-style: chr22-28725350-A-T. GRCh37 (hg19) VCF-style: chr22-29121338-A-T.
Other names: c.466T>A, p.Tyr156Asn (NM_001005735.3); c.-441T>A (NM_001257387.3); c.337T>A, p.Tyr113Asn (NM_001349956.3, NM_145862.3); short protein forms Y113N, Y156N.
Identifiers: ClinVar variation 823691 (VCV000823691.4), dbSNP rs1601826109, ClinGen allele CA411108238.